The following is an entry in ClinVar:

ClinVar aggregate classification (germline): Conflicting classifications of pathogenicity. Review status: criteria provided, conflicting classifications (1 of 4 stars). 3 submissions from 3 submitters: Uncertain significance (1); Likely benign (2). Last evaluated 2026-06-02.

Conditions:
Hereditary cancer-predisposing syndrome. Also called: Tumor predisposition; Hereditary neoplastic syndrome; Neoplastic Syndromes, Hereditary; Hereditary Cancer Syndrome. Identifiers: Orphanet 140162, MedGen C0027672, MeSH D009386, MONDO:0015356.
Gastrointestinal stromal tumor. Also called: Gastrointestinal stroma tumor; Gastrointestinal stromal tumor, somatic. Identifiers: Orphanet 44890, MedGen C0238198, MeSH D046152, MONDO:0011719, OMIM 606764, HP:0100723.

Allele frequency attached by ClinVar (database versions not stated): TOPMed 0.00001; ExAC 0.00002; gnomAD 0.00002; gnomAD exomes 0.00002.
gnomAD v4.1: 66 of 1,613,916 alleles (0.0041%); highest among the groups gnomAD compares: Middle Eastern, 0.033%; no homozygotes.

Submissions (3):

Myriad Genetics, Inc.
Classification: Likely benign for Gastrointestinal stromal tumor. Last evaluated: 2026-06-02. Review status: criteria provided, single submitter. Criteria: Myriad Autosomal Dominant, Autosomal Recessive and X-Linked Classification Criteria (2023). Collection method: clinical testing. Allele origin: unknown.
Comment: This variant is considered likely benign. This variant has been observed at a population frequency that is significantly greater than expected given the associated disease prevalence and penetrance.

Ambry Genetics
Classification: Likely benign for Hereditary cancer-predisposing syndrome. Last evaluated: 2026-04-28. Review status: criteria provided, single submitter. Criteria: Ambry Variant Classification Scheme 2023. Collection method: clinical testing. Allele origin: germline.

Labcorp Genetics (formerly Invitae), Labcorp
Classification: Uncertain significance for Gastrointestinal stromal tumor. Last evaluated: 2025-12-24. Review status: criteria provided, single submitter. Criteria: Invitae Variant Classification Sherloc (09022015). Collection method: clinical testing. Allele origin: germline.
Comment: This sequence change replaces alanine, which is neutral and non-polar, with threonine, which is neutral and polar, at codon 964 of the KIT protein (p.Ala964Thr). This variant is present in population databases (rs766845123, gnomAD 0.007%). This variant has not been reported in the literature in individuals affected with KIT-related conditions. ClinVar contains an entry for this variant (Variation ID: 458935). An algorithm developed to predict the effect of missense changes on protein structure and function outputs the following: PolyPhen-2: "Benign". The threonine amino acid residue is found in multiple mammalian species, which suggests that this missense change does not adversely affect protein function. In summary, the available evidence is currently insufficient to determine the role of this variant in disease. Therefore, it has been classified as a Variant of Uncertain Significance.

NM_000222.3(KIT):c.2890G>A (p.Ala964Thr)

Gene: KIT (KIT proto-oncogene, receptor tyrosine kinase; plus strand). Cytogenetic location: 4q12.
Variant type: single nucleotide variant.
Coding change: c.2890G>A on transcript NM_000222.3 (MANE Select); coding-DNA position 2890, G replaced by A.
Protein change: p.Ala964Thr; replaces alanine 964 with threonine.
Molecular consequence: missense variant.
Genome position (GRCh38, 1-based): chr4:54,738,516, G>A. VCF-style: chr4-54738516-G-A. GRCh37 (hg19) VCF-style: chr4-55604682-G-A.
Other names: c.2878G>A, p.Ala960Thr (NM_001093772.2, NM_001385292.1); c.2893G>A, p.Ala965Thr (NM_001385284.1); c.2887G>A, p.Ala963Thr (NM_001385285.1); c.2875G>A, p.Ala959Thr (NM_001385286.1); c.2881G>A, p.Ala961Thr (NM_001385288.1); c.2890G>A, p.Ala964Thr (NM_001385290.1); short protein forms A964T, A960T, A959T, A961T, A963T, A965T.
Identifiers: ClinVar variation 458935 (VCV000458935.15), dbSNP rs766845123, ClinGen allele CA2923893.